The following is an entry in ClinVar:

ClinVar aggregate classification (germline): Uncertain significance (1 of 4 stars; one submission).

Conditions:
Noonan syndrome 9 (NS9). Identifiers: Orphanet 648, MedGen C4225282, MONDO:0014691, OMIM 616559.

gnomAD v4.1: 1 of 1,613,518 alleles (0.000062%); highest among the groups gnomAD compares: Non-Finnish European, 0.000085%; no homozygotes.

Submission:

Labcorp Genetics (formerly Invitae), Labcorp
Classification: Uncertain significance for Noonan syndrome 9. Last evaluated: 2024-03-07. Review status: criteria provided, single submitter. Criteria: Invitae Variant Classification Sherloc (09022015). Collection method: clinical testing. Allele origin: germline.
Comment: This sequence change replaces histidine, which is basic and polar, with leucine, which is neutral and non-polar, at codon 1226 of the SOS2 protein (p.His1226Leu). This variant is not present in population databases (gnomAD no frequency). This variant has not been reported in the literature in individuals affected with SOS2-related conditions. Advanced modeling of protein sequence and biophysical properties (such as structural, functional, and spatial information, amino acid conservation, physicochemical variation, residue mobility, and thermodynamic stability) performed at Invitae indicates that this missense variant is not expected to disrupt SOS2 protein function with a negative predictive value of 95%. In summary, the available evidence is currently insufficient to determine the role of this variant in disease. Therefore, it has been classified as a Variant of Uncertain Significance.

NM_006939.4(SOS2):c.3677A>T (p.His1226Leu)

Gene: SOS2 (SOS Ras/Rho guanine nucleotide exchange factor 2; minus strand). Cytogenetic location: 14q21.3.
Variant type: single nucleotide variant.
Coding change: c.3677A>T on transcript NM_006939.4 (MANE Select); coding-DNA position 3677, A replaced by T.
Protein change: p.His1226Leu; replaces histidine 1226 with leucine.
Molecular consequence: missense variant.
Genome position (GRCh38, 1-based): chr14:50,118,666, T>A on the plus strand (A>T on the coding strand, the complement: SOS2 is on the minus strand). VCF-style: chr14-50118666-T-A. GRCh37 (hg19) VCF-style: chr14-50585384-T-A.
Other names: c.3578A>T, p.His1193Leu (NM_001411020.1); short protein forms H1193L, H1226L.
Identifiers: ClinVar variation 3697681 (VCV003697681.2).
Genomic context (GRCh38, chr14:50,118,666, plus strand): 5'-GAATCTCTGTGAAGATGCCCCAGTGGAGGTGGCTGAAGATTAAATGGACAGTTTATAAAG[T>A]GTTCTGGAGGCCGAAGGGGAACTGGTGGAGGGGTATCAGGAAGAGGATCTCTTGGTGGTG-3'
Protein context (NP_008870.2, residues 1216-1236): PPPVPLRPPE[His1226Leu]FINCPFNLQP